The following is an entry in ClinVar:

ClinVar aggregate classification (germline): Uncertain significance (1 of 4 stars; one submission).

Submission:

Ambry Genetics
Classification: Uncertain significance. Last evaluated: 2022-04-29. Review status: criteria provided, single submitter. Criteria: Ambry Variant Classification Scheme 2023. Collection method: clinical testing. Allele origin: germline.
Comment: The p.S877G variant (also known as c.2629A>G), located in coding exon 17 of the MYOM1 gene, results from an A to G substitution at nucleotide position 2629. The serine at codon 877 is replaced by glycine, an amino acid with similar properties. This amino acid position is conserved. In addition, this alteration is predicted to be tolerated by in silico analysis. Since supporting evidence is limited at this time, the clinical significance of this alteration remains unclear.

NM_003803.4(MYOM1):c.2629A>G (p.Ser877Gly)

Gene: MYOM1 (myomesin 1; minus strand). Cytogenetic location: 18p11.31.
Variant type: single nucleotide variant.
Coding change: c.2629A>G on transcript NM_003803.4 (MANE Select); coding-DNA position 2629, A replaced by G.
Protein change: p.Ser877Gly; replaces serine 877 with glycine.
Molecular consequence: missense variant. On other transcripts: intron variant (1).
Genome position (GRCh38, 1-based): chr18:3,129,397, T>C on the plus strand (A>G on the coding strand, the complement: MYOM1 is on the minus strand). VCF-style: chr18-3129397-T-C. GRCh37 (hg19) VCF-style: chr18-3129395-T-C.
Other names: c.2506+1978A>G (NM_019856.2); short protein forms S877G.
Identifiers: ClinVar variation 1794018 (VCV001794018.2), dbSNP rs932502618, ClinGen allele CA401710108.